The following is an entry in ClinVar:

NM_002976.4(SCN7A):c.528C>T (p.Leu176=)

Gene: SCN7A (sodium voltage-gated channel alpha subunit 7; minus strand). Cytogenetic location: 2q24.3.
Variant type: single nucleotide variant.
Coding change: c.528C>T on transcript NM_002976.4 (MANE Select); coding-DNA position 528, C replaced by T.
Protein change: p.Leu176=; no amino-acid change (leucine 176 retained).
Molecular consequence: synonymous variant. On other transcripts: non-coding transcript variant (1).
Genome position (GRCh38, 1-based): chr2:166,472,361, G>A on the plus strand (C>T on the coding strand, the complement: SCN7A is on the minus strand). VCF-style: chr2-166472361-G-A. GRCh37 (hg19) VCF-style: chr2-167328871-G-A.
Identifiers: ClinVar variation 3387940 (VCV003387940.14).
Genomic context (GRCh38, chr2:166,472,361, plus strand): 5'-TTAAAGAAATACTCACTCAAACACAGTTACGCTGAAATCGAGCCAGTTCCATGGATCACC[G>A]AGGAAGGAAAATGATCCTGCCCAGACACCTCTTGCAAAGAGTTTTACAAGTATTTCAAAT-3'
Protein context (NP_002967.2, residues 166-186): RGVWAGSFSF[Leu176=]GDPWNWLDFS

ClinVar aggregate classification (germline): Likely benign (1 of 4 stars; one submission).

gnomAD v4.1: 768 of 1,608,428 alleles (0.048%); highest among the groups gnomAD compares: South Asian, 0.7%; 6 homozygotes.

Submission:

CeGaT Center for Human Genetics Tuebingen
Classification: Likely benign. Last evaluated: 2024-11-01. Review status: criteria provided, single submitter. Criteria: CeGaT Center For Human Genetics Tuebingen Variant Classification Criteria Version 2. Collection method: clinical testing. Allele origin: germline. Affected: yes. Observed: 1 variant allele.
Comment: SCN7A: BP4, BP7